The following is an entry in ClinVar:

ClinVar aggregate classification (germline): Uncertain significance (1 of 4 stars; one submission).

Submission:

Ambry Genetics
Classification: Uncertain significance. Last evaluated: 2024-09-01. Review status: criteria provided, single submitter. Criteria: Ambry Variant Classification Scheme 2023. Collection method: clinical testing. Allele origin: germline.
Comment: The p.G20R variant (also known as c.58G>C), located in coding exon 2 of the RINT1 gene, results from a G to C substitution at nucleotide position 58. The glycine at codon 20 is replaced by arginine, an amino acid with dissimilar properties. This amino acid position is conserved. In addition, this alteration is predicted to be tolerated by in silico analysis. Since supporting evidence is limited at this time, the clinical significance of this alteration remains unclear.

NM_021930.6(RINT1):c.58G>C (p.Gly20Arg)

Gene: RINT1 (RAD50 interactor 1; plus strand). Cytogenetic location: 7q22.3.
Variant type: single nucleotide variant.
Coding change: c.58G>C on transcript NM_021930.6 (MANE Select); coding-DNA position 58, G replaced by C.
Protein change: p.Gly20Arg; replaces glycine 20 with arginine.
Molecular consequence: missense variant. On other transcripts: 5 prime UTR variant (4), non-coding transcript variant (1).
Genome position (GRCh38, 1-based): chr7:105,532,839, G>C. VCF-style: chr7-105532839-G-C. GRCh37 (hg19) VCF-style: chr7-105173286-G-C.
Other names: c.-40G>C (NM_001346599.2); c.-962G>C (NM_001346600.2); c.-865G>C (NM_001346601.2); c.-485G>C (NM_001346603.2); short protein forms G20R.
Identifiers: ClinVar variation 1750394 (VCV001750394.3), dbSNP rs2485090722, ClinGen allele CA368799332.